The following is an entry in ClinVar:

NM_001083961.2(WDR62):c.4166del (p.Leu1389fs)

Gene: WDR62 (WD repeat domain 62; plus strand). Cytogenetic location: 19q13.12.
Variant type: Deletion.
Coding change: c.4166del on transcript NM_001083961.2 (MANE Select); coding-DNA position 4166, one base deleted (T; older notation c.4166delT).
Protein change: p.Leu1389fs; shifts the reading frame from leucine 1389.
Molecular consequence: frameshift variant.
Genome position (GRCh38, 1-based): chr19:36,104,530, T deleted. VCF-style (leftmost placement, unchanged base first): chr19-36104529-CT-C. GRCh37 (hg19) VCF-style: chr19-36595431-CT-C.
Other names: c.4151del, p.Leu1384fs (NM_001411145.1, NM_173636.5); c.3917del, p.Leu1306fs (NM_001411146.1); c.3815del, p.Leu1272fs (NM_001411147.1); short protein forms L1272fs, L1306fs, L1384fs, L1389fs.
Identifiers: ClinVar variation 4684978 (VCV004684978.1).

ClinVar aggregate classification (germline): Likely pathogenic (1 of 4 stars; one submission).

Conditions:
Microcephaly 2, primary, autosomal recessive, with or without cortical malformations. Also called: MICROCEPHALY 2, PRIMARY, AUTOSOMAL RECESSIVE, WITH CORTICAL MALFORMATIONS; WDR62 Primary Microcephaly. Identifiers: Orphanet 2512, MedGen C1858535, MONDO:0011435, OMIM 604317.

Submission:

Institute of Human Genetics, Heidelberg University
Classification: Likely pathogenic for Microcephaly 2, primary, autosomal recessive, with or without cortical malformations. Last evaluated: 2025-05-23. Review status: criteria provided, single submitter. Criteria: ACMG Guidelines, 2015. Collection method: clinical testing. Allele origin: maternal. Affected: yes. Observed: 2 variant alleles.
Comment: PVS1, PM2_supp